The following is an entry in ClinVar:

NM_001395413.1(POR):c.1227C>T (p.Ser409=)

Gene: POR (cytochrome p450 oxidoreductase; plus strand). Cytogenetic location: 7q11.23.
Variant type: single nucleotide variant.
Coding change: c.1227C>T on transcript NM_001395413.1 (MANE Select); coding-DNA position 1227, C replaced by T.
Protein change: p.Ser409=; no amino-acid change (serine 409 retained).
Molecular consequence: synonymous variant.
Genome position (GRCh38, 1-based): chr7:75,984,946, C>T. VCF-style: chr7-75984946-C-T. GRCh37 (hg19) VCF-style: chr7-75614264-C-T.
Other names: c.1227C>T, p.Ser409= (NM_001367562.3, NM_001382657.2, NM_001382658.3 and 2 more transcripts); c.1281C>T, p.Ser427= (NM_001382655.3).
Identifiers: ClinVar variation 618842 (VCV000618842.28), dbSNP rs41301424, ClinGen allele CA4304035.

ClinVar aggregate classification (germline): Benign/Likely benign. Review status: criteria provided, multiple submitters, no conflicts (2 of 4 stars). 6 submissions from 6 submitters: Benign (2); Likely benign (4). Last evaluated 2026-01-26.

Conditions:
Congenital adrenal hyperplasia due to cytochrome P450 oxidoreductase deficiency. Also called: DISORDERED STEROIDOGENESIS DUE TO POR DEFICIENCY. Identifiers: Orphanet 95699, MedGen C1860042, MONDO:0013310, OMIM 613571.

Allele frequency attached by ClinVar (database versions not stated): gnomAD exomes 0.00020 and 0.00095; ESP Exome Variant Server 0.00024; gnomAD 0.00041 and 0.00064; TOPMed 0.00053; ExAC 0.00099; 1000 Genomes Project 30x 0.00468; 1000 Genomes Project 0.00539.
gnomAD v4.1: 419 of 1,595,562 alleles (0.026%); highest among the groups gnomAD compares: East Asian, 0.67%; 2 homozygotes.

Submissions (6):

Labcorp Genetics (formerly Invitae), Labcorp
Classification: Benign for Congenital adrenal hyperplasia due to cytochrome P450 oxidoreductase deficiency. Last evaluated: 2026-01-26. Review status: criteria provided, single submitter. Criteria: Invitae Variant Classification Sherloc (09022015). Collection method: clinical testing. Allele origin: germline.

CeGaT Center for Human Genetics Tuebingen
Classification: Likely benign. Last evaluated: 2025-10-01. Review status: criteria provided, single submitter. Criteria: CeGaT Center For Human Genetics Tuebingen Variant Classification Criteria Version 2. Collection method: clinical testing. Allele origin: germline. Affected: yes. Observed: 1 variant allele.
Comment: POR: BP4, BP7

Blueprint Genetics
Classification: Likely benign. Last evaluated: 2024-11-21. Review status: criteria provided, single submitter. Criteria: ACMG Guidelines, 2015. Collection method: clinical testing. Allele origin: germline.

GeneDx
Classification: Likely benign. Last evaluated: 2020-09-02. Review status: criteria provided, single submitter. Criteria: GeneDx Variant Classification Process June 2021. Collection method: clinical testing. Allele origin: germline. Affected: yes.

ARUP Laboratories, Molecular Genetics and Genomics, ARUP Laboratories
Classification: Benign. Last evaluated: 2017-10-24. Review status: criteria provided, single submitter. Criteria: ARUP Molecular Germline Variant Investigation Process. Collection method: clinical testing. Allele origin: germline.

Illumina Laboratory Services, Illumina
Classification: Likely benign for Congenital adrenal hyperplasia due to cytochrome P450 oxidoreductase deficiency. Last evaluated: 2017-04-27. Review status: criteria provided, single submitter. Criteria: ICSL Variant Classification Criteria 13 December 2019. Collection method: clinical testing. Allele origin: germline.
Comment: This variant was observed as part of a predisposition screen in an ostensibly healthy population. A literature search was performed for the gene, cDNA change, and amino acid change (where applicable). Publications were found based on this search. The evidence from the literature, in combination with allele frequency data from public databases where available, was sufficient to determine this variant is unlikely to cause disease. Therefore, this variant is classified as likely benign.

Literature cited by the submitters: PubMed 21084761 (cited by Illumina Laboratory Services, Illumina).